The following is an entry in ClinVar:

NR_199791.1(RNU2-2):n.23A>G

Genes: RNU2-2 (RNA, U2 small nuclear 2; minus strand), WDR74 (WD repeat domain 74; minus strand). Cytogenetic location: 11q12.3.
Variant type: single nucleotide variant.
Molecular consequence: non-coding transcript variant (on NR_199791.1). On other transcripts: 5 prime UTR variant (1).
Genome position: GRCh38 VCF-style: chr11-62841787-T-C. GRCh37 (hg19) VCF-style: chr11-62609259-T-C.
Other names: c.-516A>G (NM_001369451.1).
Identifiers: ClinVar variation 4540464 (VCV004540464.1).

ClinVar aggregate classification (germline): Uncertain significance (1 of 4 stars; one submission).

Submission:

Institute for Human Genetics, University Hospital Essen
Classification: Uncertain significance. Last evaluated: 2025-11-27. Review status: criteria provided, single submitter. Criteria: Submitter's publication. Collection method: clinical testing. Allele origin: inherited. Inheritance: Autosomal unknown. Affected: yes. Observed: 1 variant allele, 1 compound heterozygote.
Comment: PM1, PM2_supp (criteria rationale detailed in Leitão et al. Nature Genetics 2026)